The following is an entry in ClinVar:

ClinVar aggregate classification (germline): Uncertain significance. Review status: criteria provided, multiple submitters, no conflicts (2 of 4 stars). 3 submissions from 3 submitters: Uncertain significance (3). Last evaluated 2023-01-29.

Conditions:
Microcephaly, normal intelligence and immunodeficiency (NBS). Also called: IMMUNODEFICIENCY, MICROCEPHALY, AND CHROMOSOMAL INSTABILITY; SEEMANOVA SYNDROME II; Nijmegen breakage syndrome; Microcephaly with normal intelligence immunodeficiency and lymphoreticular malignancies; Nonsyndromal microcephaly autosomal recessive with normal intelligence; Seemanova syndrome 2. Identifiers: Orphanet 647, MedGen C0398791, MONDO:0009623, OMIM 251260.

Submissions (3):

Labcorp Genetics (formerly Invitae), Labcorp
Classification: Uncertain significance for Microcephaly, normal intelligence and immunodeficiency. Last evaluated: 2023-01-29. Review status: criteria provided, single submitter. Criteria: Invitae Variant Classification Sherloc (09022015). Collection method: clinical testing. Allele origin: germline.
Comment: In summary, the available evidence is currently insufficient to determine the role of this variant in disease. Therefore, it has been classified as a Variant of Uncertain Significance. Algorithms developed to predict the effect of missense changes on protein structure and function (SIFT, PolyPhen-2, Align-GVGD) all suggest that this variant is likely to be tolerated. ClinVar contains an entry for this variant (Variation ID: 182732). This variant has not been reported in the literature in individuals affected with NBN-related conditions. This variant is not present in population databases (gnomAD no frequency). This sequence change replaces glycine, which is neutral and non-polar, with alanine, which is neutral and non-polar, at codon 12 of the NBN protein (p.Gly12Ala).

Genome-Nilou Lab
Classification: Uncertain significance for Microcephaly, normal intelligence and immunodeficiency. Last evaluated: 2021-11-07. Review status: criteria provided, single submitter. Criteria: ACMG Guidelines, 2015. Collection method: clinical testing. Allele origin: germline. Affected: no.

GeneDx
Classification: Uncertain significance. Last evaluated: 2014-09-12. Review status: criteria provided, single submitter. Criteria: GeneDx Variant Classification (06012015). Collection method: clinical testing. Allele origin: germline. Affected: yes.
Comment: This variant is denoted NBN c.35G>C at the cDNA level, p.Gly12Ala (G12A) at the protein level, and results in the change of a Glycine to an Alanine (GGA>GCA). This variant has not, to our knowledge, been published in the literature as pathogenic or benign. NBN Gly12Ala was not observed in approximately 6,500 individuals of European and African American ancestry in the NHLBI Exome Sequencing Project, indicating it is not a common benign variant in these populations. Since Glycine and Alanine share similar properties, this is considered a conservative amino acid substitution. NBN Gly12Ala occurs at a position that is poorly conserved across species and is not located in a known functional domain. In silico analyses predict that this variant is unlikely to alter protein structure or function. Based on currently available information, it is unclear whether NBN Gly12Ala is pathogenic or benign. We consider it to be a variant of uncertain significance.

NM_002485.5(NBN):c.35G>C (p.Gly12Ala)

Gene: NBN (nibrin; minus strand). Cytogenetic location: 8q21.3.
Variant type: single nucleotide variant.
Coding change: c.35G>C on transcript NM_002485.5 (MANE Select); coding-DNA position 35, G replaced by C.
Protein change: p.Gly12Ala; replaces glycine 12 with alanine.
Molecular consequence: missense variant. On other transcripts: 5 prime UTR variant (1).
Genome position (GRCh38, 1-based): chr8:89,984,527, C>G on the plus strand (G>C on the coding strand, the complement: NBN is on the minus strand). VCF-style: chr8-89984527-C-G. GRCh37 (hg19) VCF-style: chr8-90996755-C-G.
Other names: p.G12A:GGA>GCA; c.-262G>C (NM_001024688.3); short protein forms G12A.
Identifiers: ClinVar variation 182732 (VCV000182732.13), dbSNP rs730881860, ClinGen allele CA299645.
Genomic context (GRCh38, chr8:89,984,527, plus strand): 5'-TCCCCCGAGGCAGTCGCTACCGGGAAAATAGGCCCCGAGGCTTCCCTTCTGCCCTTACCT[C>G]CTGCCGGGCCCGCGGCGGGCAGCAGTTTCCACATCGGTCCGGCTCCTCAGGGCTGGGGCC-3'
Protein context (NP_002476.2, residues 2-22): WKLLPAAGPA[Gly12Ala]GEPYRLLTGV